The following is an entry in ClinVar:

NM_001270508.2(TNFAIP3):c.281C>A (p.Ala94Glu)

Gene: TNFAIP3 (TNF alpha induced protein 3; plus strand). Cytogenetic location: 6q23.3.
Variant type: single nucleotide variant.
Coding change: c.281C>A on transcript NM_001270508.2 (MANE Select); coding-DNA position 281, C replaced by A.
Protein change: p.Ala94Glu; replaces alanine 94 with glutamic acid.
Molecular consequence: missense variant.
Genome position (GRCh38, 1-based): chr6:137,871,508, C>A. VCF-style: chr6-137871508-C-A. GRCh37 (hg19) VCF-style: chr6-138192645-C-A.
Other names: c.281C>A, p.Ala94Glu (NM_001270507.2, NM_006290.4); short protein forms A94E.
Identifiers: ClinVar variation 2699322 (VCV002699322.3), dbSNP rs776714084, ClinGen allele CA365780789.

ClinVar aggregate classification (germline): Uncertain significance (1 of 4 stars; one submission).

Submission:

Labcorp Genetics (formerly Invitae), Labcorp
Classification: Uncertain significance. Last evaluated: 2023-11-27. Review status: criteria provided, single submitter. Criteria: Invitae Variant Classification Sherloc (09022015). Collection method: clinical testing. Allele origin: germline.
Comment: This sequence change replaces alanine, which is neutral and non-polar, with glutamic acid, which is acidic and polar, at codon 94 of the TNFAIP3 protein (p.Ala94Glu). This variant is not present in population databases (gnomAD no frequency). This variant has not been reported in the literature in individuals affected with TNFAIP3-related conditions. Advanced modeling of protein sequence and biophysical properties (such as structural, functional, and spatial information, amino acid conservation, physicochemical variation, residue mobility, and thermodynamic stability) performed at Invitae indicates that this missense variant is not expected to disrupt TNFAIP3 protein function with a negative predictive value of 80%. In summary, the available evidence is currently insufficient to determine the role of this variant in disease. Therefore, it has been classified as a Variant of Uncertain Significance.